The following is an entry in ClinVar:

ClinVar aggregate classification (germline): Likely benign. Review status: criteria provided, multiple submitters, no conflicts (2 of 4 stars). 3 submissions from 3 submitters: Likely benign (3). Last evaluated 2026-01-22.

Conditions:
ATP2B2-related disorder. Also called: ATP2B2-related condition.

Allele frequency attached by ClinVar (database versions not stated): gnomAD 0.00005; ESP Exome Variant Server 0.00008; TOPMed 0.00009; ExAC 0.00011; 1000 Genomes Project 30x 0.00016.
gnomAD v4.1: 88 of 1,611,798 alleles (0.0055%); highest among the groups gnomAD compares: Middle Eastern, 0.38%; no homozygotes.

Submissions (3):

PreventionGenetics, part of Exact Sciences
Classification: Likely benign for ATP2B2-related condition. Last evaluated: 2026-01-22. Review status: criteria provided, single submitter. Criteria: ACMG Guidelines, 2015. Collection method: clinical testing. Allele origin: germline.
Comment: This variant is classified as likely benign based on ACMG/AMP sequence variant interpretation guidelines (Richards et al. 2015 PMID: 25741868, with internal and published modifications).

Blueprint Genetics
Classification: Likely benign. Last evaluated: 2024-09-17. Review status: criteria provided, single submitter. Criteria: ACMG Guidelines, 2015. Collection method: clinical testing. Allele origin: germline.

Labcorp Genetics (formerly Invitae), Labcorp
Classification: Likely benign. Last evaluated: 2024-06-22. Review status: criteria provided, single submitter. Criteria: Invitae Variant Classification Sherloc (09022015). Collection method: clinical testing. Allele origin: germline.

NM_001001331.4(ATP2B2):c.2496C>T (p.Asp832=)

Gene: ATP2B2 (ATPase plasma membrane Ca2+ transporting 2; minus strand). Cytogenetic location: 3p25.3.
Variant type: single nucleotide variant.
Coding change: c.2496C>T on transcript NM_001001331.4 (MANE Select); coding-DNA position 2496, C replaced by T.
Protein change: p.Asp832=; no amino-acid change (aspartic acid 832 retained).
Molecular consequence: synonymous variant.
Genome position (GRCh38, 1-based): chr3:10,346,046, G>A on the plus strand (C>T on the coding strand, the complement: ATP2B2 is on the minus strand). VCF-style: chr3-10346046-G-A. GRCh37 (hg19) VCF-style: chr3-10387730-G-A.
Other names: c.2361C>T, p.Asp787= (NM_001330611.3, NM_001353564.1, NM_001363862.1 and 1 more transcripts); c.2361C>T (NM_001683.3).
Identifiers: ClinVar variation 2847752 (VCV002847752.5), dbSNP rs141009802, ClinGen allele CA2253363.
Genomic context (GRCh38, chr3:10,346,046, plus strand): 5'-CTCCCCAGCCCCCACCACCCCAGGCCCTCTGTGGGCCGTTCCTACCATGGCGAAGCCCAC[G>A]TCGGCCTTCTTGAGTGCAGGCCCGTCGTTGGTCCCGTCCCCCGTCACGGCCACCACCTGC-3'
Protein context (NP_001001331.1, residues 822-842): TNDGPALKKA[Asp832=]VGFAMGIAGT